The following is an entry in ClinVar:

ClinVar aggregate classification (germline): Uncertain significance (1 of 4 stars; one submission).

Conditions:
Primary hyperoxaluria, type II (HP2). Also called: OXALOSIS II; Primary hyperoxaluria type 2; D-GLYCERATE DEHYDROGENASE DEFICIENCY; GLYCERIC ACIDURIA; GLYOXYLATE REDUCTASE/HYDROXYPYRUVATE REDUCTASE DEFICIENCY. Identifiers: Orphanet 416, Orphanet 93599, MedGen C0268165, MONDO:0009824, OMIM 260000. Disease mechanism: loss of function.

Submission:

Myriad Genetics, Inc.
Classification: Uncertain significance for Primary hyperoxaluria, type II. Last evaluated: 2025-07-24. Review status: criteria provided, single submitter. Criteria: Myriad Autosomal Dominant, Autosomal Recessive and X-Linked Classification Criteria (2023). Collection method: clinical testing. Allele origin: unknown.
Comment: NM_012203.1(GRHPR):c.475_477delATC(I159del) is an in-frame deletion classified as a variant of uncertain significance in the context of primary hyperoxaluria type 2. I159del has not been observed in cases with relevant disease. Relevant functional assessments of this variant are not available in the literature. I159del has not been observed in referenced population frequency databases. In summary, there is insufficient evidence to classify NM_012203.1(GRHPR):c.475_477delATC(I159del) as pathogenic or benign. Please note: this variant was assessed in the context of healthy population screening.

NM_012203.2(GRHPR):c.472ATC[1] (p.Ile159del)

Gene: GRHPR (glyoxylate and hydroxypyruvate reductase; plus strand). Cytogenetic location: 9p13.2.
Variant type: Microsatellite.
Coding change: c.472ATC[1] on transcript NM_012203.2 (MANE Select); one copy of the 3-base unit ATC starting at c.472; the reference has two copies in a row; one copy, 3 bases deleted.
Protein change: p.Ile159del; deletes isoleucine 159.
Molecular consequence: inframe deletion.
Genome position (GRCh38, 1-based): chr9:37,428,554-37,428,556, ATC deleted; deleting any 3 consecutive bases within chr9:37,428,550-37,428,556 gives the same sequence; the position shown is the placement nearest the transcript's 3' end. VCF-style (leftmost placement, unchanged base first): chr9-37428549-GCAT-G. GRCh37 (hg19) VCF-style: chr9-37428546-GCAT-G.
Other names: short protein forms I159del.
Identifiers: ClinVar variation 5003606 (VCV005003606.1).